The following is an entry in ClinVar:

NM_172070.4(UBR3):c.407G>A (p.Cys136Tyr)

Gene: UBR3 (ubiquitin protein ligase E3 component n-recognin 3; plus strand). Cytogenetic location: 2q31.1.
Variant type: single nucleotide variant.
Coding change: c.407G>A on transcript NM_172070.4 (MANE Select); coding-DNA position 407, G replaced by A.
Protein change: p.Cys136Tyr; replaces cysteine 136 with tyrosine.
Molecular consequence: missense variant.
Genome position (GRCh38, 1-based): chr2:169,827,914, G>A. VCF-style: chr2-169827914-G-A. GRCh37 (hg19) VCF-style: chr2-170684424-G-A.
Other names: short protein forms C136Y.
Identifiers: ClinVar variation 2632790 (VCV002632790.1), dbSNP rs2528807889, ClinGen allele CA348900655.

ClinVar aggregate classification (germline): Uncertain significance (1 of 4 stars; one submission).

Conditions:
UBR3-related disorder. Also called: UBR3-related condition.

Submission:

PreventionGenetics, part of Exact Sciences
Classification: Uncertain significance for UBR3-related condition. Last evaluated: 2023-05-11. Review status: criteria provided, single submitter. Criteria: ACMG Guidelines, 2015. Collection method: clinical testing. Allele origin: germline.
Comment: The UBR3 c.407G>A variant is predicted to result in the amino acid substitution p.Cys136Tyr. To our knowledge, this variant has not been reported in the literature or in a large population database, indicating this variant is rare. At this time, the clinical significance of this variant is uncertain due to the absence of conclusive functional and genetic evidence.